The following is an entry in ClinVar:

ClinVar aggregate classification (germline): Pathogenic (1 of 4 stars; one submission).

Conditions:
Idiopathic generalized epilepsy. Also called: EIG; Generalised epilepsy. Identifiers: MedGen C0270850, MONDO:0005579, OMIM 600669.
Epilepsy, childhood absence 4 (ECA4). Also called: EPILEPSY, CHILDHOOD ABSENCE, SUSCEPTIBILITY TO, 4. Identifiers: Orphanet 307, MedGen C1970160.
Epilepsy, idiopathic generalized, susceptibility to, 13. Also called: EPILEPSY, JUVENILE MYOCLONIC, SUSCEPTIBILITY TO, 5. Identifiers: Orphanet 307, Orphanet 64280, MedGen C4013473, MONDO:0012627, OMIM 611136.

Submission:

Labcorp Genetics (formerly Invitae), Labcorp
Classification: Pathogenic for Epilepsy, childhood absence 4; Epilepsy, idiopathic generalized, susceptibility to, 13; Idiopathic generalized epilepsy. Last evaluated: 2022-10-17. Review status: criteria provided, single submitter. Criteria: Invitae Variant Classification Sherloc (09022015). Collection method: clinical testing. Allele origin: germline.
Comment: For these reasons, this variant has been classified as Pathogenic. Advanced modeling of protein sequence and biophysical properties (such as structural, functional, and spatial information, amino acid conservation, physicochemical variation, residue mobility, and thermodynamic stability) performed at Invitae indicates that this missense variant is expected to disrupt GABRA1 protein function. ClinVar contains an entry for this variant (Variation ID: 962701). This missense change has been observed in individual(s) with clinical features of GABRA1-related conditions (Invitae). In at least one individual the variant was observed to be de novo. This variant is not present in population databases (gnomAD no frequency). This sequence change replaces threonine, which is neutral and polar, with isoleucine, which is neutral and non-polar, at codon 288 of the GABRA1 protein (p.Thr288Ile).

NM_001127644.2(GABRA1):c.863C>T (p.Thr288Ile)

Gene: GABRA1 (gamma-aminobutyric acid type A receptor subunit alpha1; plus strand). Cytogenetic location: 5q34.
Variant type: single nucleotide variant.
Coding change: c.863C>T on transcript NM_001127644.2 (MANE Select); coding-DNA position 863, C replaced by T.
Protein change: p.Thr288Ile; replaces threonine 288 with isoleucine.
Molecular consequence: missense variant.
Genome position (GRCh38, 1-based): chr5:161,895,672, C>T. VCF-style: chr5-161895672-C-T. GRCh37 (hg19) VCF-style: chr5-161322678-C-T.
Other names: c.863C>T, p.Thr288Ile (NM_000806.5, NM_001127643.2, NM_001127645.2 and 1 more transcripts); short protein forms T288I.
Identifiers: ClinVar variation 962701 (VCV000962701.7), dbSNP rs1755330256, ClinGen allele CA362180081.